The following is an entry in ClinVar:

ClinVar aggregate classification (germline): Pathogenic (1 of 4 stars; one submission).

Conditions:
Myopathy, proximal, and ophthalmoplegia (CMYO6). Also called: INCLUSION BODY MYOPATHY 3, AUTOSOMAL DOMINANT; CONGENITAL MYOPATHY 6 WITH OPHTHALMOPLEGIA; MYOPATHY WITH CONGENITAL JOINT CONTRACTURES, OPHTHALMOPLEGIA, AND RIMMED VACUOLES. Identifiers: Orphanet 363677, Orphanet 79091, MedGen C1854106, MONDO:0011577, OMIM 605637.

Submission:

Labcorp Genetics (formerly Invitae), Labcorp
Classification: Pathogenic for Myopathy, proximal, and ophthalmoplegia. Last evaluated: 2022-09-25. Review status: criteria provided, single submitter. Criteria: Invitae Variant Classification Sherloc (09022015). Collection method: clinical testing. Allele origin: germline.
Comment: This variant has not been reported in the literature in individuals affected with MYH2-related conditions. This variant is also known as c.4371+1del. Algorithms developed to predict the effect of sequence changes on RNA splicing suggest that this variant may disrupt the consensus splice site. For these reasons, this variant has been classified as Pathogenic. This variant is not present in population databases (gnomAD no frequency). This sequence change creates a premature translational stop signal (p.Ile1458Serfs*33) in the MYH2 gene. It is expected to result in an absent or disrupted protein product. Loss-of-function variants in MYH2 are known to be pathogenic (PMID: 20418530, 23388406, 24193343).

Literature cited by the submitters: PubMed 20418530; PubMed 23388406; PubMed 24193343.

NM_017534.6(MYH2):c.4371+1del

Genes: MYH2 (myosin heavy chain 2; minus strand), MYHAS (myosin heavy chain gene cluster antisense RNA; plus strand), LOC126862500 (BRD4-independent group 4 enhancer GRCh37_chr17:10427829-10429028; plus strand). Cytogenetic location: 17p13.1.
Variant type: Deletion.
Coding change: c.4371+1del on transcript NM_017534.6 (MANE Select); the canonical splice donor site of the intron after coding-DNA position 4371, one base deleted (G; older notation c.4371+1delG).
Molecular consequence: splice donor variant.
Genome position (GRCh38, 1-based): chr17:10,525,692, C deleted on the plus strand (G on the coding strand, the reverse complement: MYH2 is on the minus strand); the first of 2 consecutive C bases (chr17:10,525,692-10,525,693); deleting either gives the same sequence. VCF-style (leftmost placement, unchanged base first): chr17-10525691-AC-A. GRCh37 (hg19) VCF-style: chr17-10429008-AC-A.
Other names: c.4371+1del (NM_001100112.2).
Identifiers: ClinVar variation 2028163 (VCV002028163.4), dbSNP rs2508417068, ClinGen allele CA2580092524.